The following is an entry in ClinVar:

NM_000426.4(LAMA2):c.8536C>T (p.Gln2846Ter)

Gene: LAMA2 (laminin subunit alpha 2; plus strand). Cytogenetic location: 6q22.33.
Variant type: single nucleotide variant.
Coding change: c.8536C>T on transcript NM_000426.4 (MANE Select); coding-DNA position 8536, C replaced by T.
Protein change: p.Gln2846Ter; replaces glutamine 2846 with a stop codon.
Molecular consequence: nonsense.
Genome position (GRCh38, 1-based): chr6:129,503,269, C>T. VCF-style: chr6-129503269-C-T. GRCh37 (hg19) VCF-style: chr6-129824414-C-T.
Other names: c.8524C>T, p.Gln2842Ter (NM_001079823.2); short protein forms Q2842*, Q2846*.
Identifiers: ClinVar variation 983652 (VCV000983652.5), dbSNP rs1463264889, ClinGen allele CA365634481.

ClinVar aggregate classification (germline): Likely pathogenic. Review status: criteria provided, multiple submitters, no conflicts (2 of 4 stars). 2 submissions from 2 submitters: Likely pathogenic (2). Last evaluated 2022-05-12.

Conditions:
Merosin deficient congenital muscular dystrophy (MDC1A). Also called: Congenital merosin-deficient muscular dystrophy 1A; Congenital Muscular Dystrophy Type 1A (MDC1A). Identifiers: Orphanet 258, MedGen C1263858, MONDO:0011925, OMIM 607855.
Muscular dystrophy, limb-girdle, autosomal recessive 23. Identifiers: Orphanet 565837, MedGen C4748327, MONDO:0029136, OMIM 618138.
LAMA2-related muscular dystrophy (LAMA2-RD). Also called: Laminin alpha 2-related dystrophy. Identifiers: MedGen C5679788, MONDO:0100228.

Allele frequency attached by ClinVar (database versions not stated): gnomAD exomes 0.00001 and below 0.00001.
gnomAD v4.1: 3 of 1,613,670 alleles (0.00019%); highest among the groups gnomAD compares: Admixed American, 0.0033%; no homozygotes.

Submissions (2):

Fulgent Genetics
Classification: Likely pathogenic for Merosin deficient congenital muscular dystrophy; Muscular dystrophy, limb-girdle, autosomal recessive 23. Last evaluated: 2022-05-12. Review status: criteria provided, single submitter. Criteria: ACMG Guidelines, 2015. Collection method: clinical testing. Allele origin: unknown.

Myriad Genetics, Inc.
Classification: Likely pathogenic for LAMA2-related muscular dystrophy. Last evaluated: 2020-02-02. Review status: criteria provided, single submitter. Criteria: Myriad Autosomal Dominant, Autosomal Recessive and X-Linked Classification Criteria (2023). Collection method: clinical testing. Allele origin: unknown.
Comment: NM_000426.3(LAMA2):c.8536C>T(Q2846*) is expected to be pathogenic in the context of LAMA2-related muscular dystrophy. This variant is predicted to lead to an abnormal or absent protein product due to the creation of a premature termination codon in LAMA2, a gene where loss-of-function variants are known to be pathogenic. Please note: this variant was assessed in the context of healthy population screening.